The following is an entry in ClinVar:

ClinVar aggregate classification (germline): Uncertain significance (1 of 4 stars; one submission).

Conditions:
Autosomal recessive severe congenital neutropenia due to CSF3R deficiency. Also called: Neutropenia, severe congenital, 7, autosomal recessive. Identifiers: Orphanet 420702, MedGen C4310764, MONDO:0014865, OMIM 617014.

Allele frequency attached by ClinVar (database versions not stated): TOPMed 0.00003; ESP Exome Variant Server 0.00008.
gnomAD v4.1: 18 of 1,613,340 alleles (0.0011%); highest among the groups gnomAD compares: East Asian, 0.025%; no homozygotes.

Submission:

Labcorp Genetics (formerly Invitae), Labcorp
Classification: Uncertain significance for Autosomal recessive severe congenital neutropenia due to CSF3R deficiency. Last evaluated: 2024-12-12. Review status: criteria provided, single submitter. Criteria: Invitae Variant Classification Sherloc (09022015). Collection method: clinical testing. Allele origin: germline.
Comment: This sequence change replaces histidine, which is basic and polar, with aspartic acid, which is acidic and polar, at codon 54 of the CSF3R protein (p.His54Asp). This variant is present in population databases (rs371768579, gnomAD 0.03%). This variant has not been reported in the literature in individuals affected with CSF3R-related conditions. ClinVar contains an entry for this variant (Variation ID: 657532). Invitae Evidence Modeling of protein sequence and biophysical properties (such as structural, functional, and spatial information, amino acid conservation, physicochemical variation, residue mobility, and thermodynamic stability) indicates that this missense variant is not expected to disrupt CSF3R protein function with a negative predictive value of 80%. In summary, the available evidence is currently insufficient to determine the role of this variant in disease. Therefore, it has been classified as a Variant of Uncertain Significance.

NM_000760.4(CSF3R):c.160C>G (p.His54Asp)

Gene: CSF3R (colony stimulating factor 3 receptor; minus strand). Cytogenetic location: 1p34.3.
Variant type: single nucleotide variant.
Coding change: c.160C>G on transcript NM_000760.4 (MANE Select); coding-DNA position 160, C replaced by G.
Protein change: p.His54Asp; replaces histidine 54 with aspartic acid.
Molecular consequence: missense variant.
Genome position (GRCh38, 1-based): chr1:36,475,578, G>C on the plus strand (C>G on the coding strand, the complement: CSF3R is on the minus strand). VCF-style: chr1-36475578-G-C. GRCh37 (hg19) VCF-style: chr1-36941179-G-C.
Other names: c.160C>G, p.His54Asp (LRG_144t1, NM_156039.3, NM_172313.3); short protein forms H54D.
Identifiers: ClinVar variation 657532 (VCV000657532.8), dbSNP rs371768579, ClinGen allele CA769553.
Genomic context (GRCh38, chr1:36,475,578, plus strand): 5'-TGCCCCCGGGCTGAAGCTCTGCTCCCAGTCTCCACAGAATCTGTGGCTCCGGGTCCAGAT[G>C]GCTGCAGTTCTGCTTGATGATGCAGGAGGCTGTGATGGGATCCCCCAGGTGGACGATGGG-3'
Protein context (NP_000751.1, residues 44-64): ASCIIKQNCS[His54Asp]LDPEPQILWR